The following is an entry in ClinVar:

NM_030665.4(RAI1):c.3457C>G (p.Gln1153Glu)

Gene: RAI1 (retinoic acid induced 1; plus strand). Cytogenetic location: 17p11.2.
Variant type: single nucleotide variant.
Coding change: c.3457C>G on transcript NM_030665.4 (MANE Select); coding-DNA position 3457, C replaced by G.
Protein change: p.Gln1153Glu; replaces glutamine 1153 with glutamic acid.
Molecular consequence: missense variant.
Genome position (GRCh38, 1-based): chr17:17,796,405, C>G. VCF-style: chr17-17796405-C-G. GRCh37 (hg19) VCF-style: chr17-17699719-C-G.
Other names: short protein forms Q1153E.
Identifiers: ClinVar variation 4997125 (VCV004997125.1).

ClinVar aggregate classification (germline): Uncertain significance (1 of 4 stars; one submission).

Conditions:
RAI1-related disorder. Also called: RAI1-related condition.

Submission:

PreventionGenetics, part of Exact Sciences
Classification: Uncertain significance for RAI1-related condition. Last evaluated: 2025-04-14. Review status: criteria provided, single submitter. Criteria: ACMG Guidelines, 2015. Collection method: clinical testing. Allele origin: germline.
Comment: The RAI1 c.3457C>G variant is predicted to result in the amino acid substitution p.Gln1153Glu. To our knowledge, this variant has not been reported in the literature or in a large population database (gnomAD), indicating this variant is rare. At this time, the clinical significance of this variant is uncertain due to the absence of conclusive functional and genetic evidence.